The following is an entry in ClinVar:

ClinVar aggregate classification (germline): Uncertain significance. Review status: criteria provided, multiple submitters, no conflicts (2 of 4 stars). 3 submissions from 3 submitters: Uncertain significance (3). Last evaluated 2025-03-27.

Allele frequency attached by ClinVar (database versions not stated): gnomAD 0.00001; TOPMed 0.00002; gnomAD exomes 0.00003.
gnomAD v4.1: 40 of 1,613,072 alleles (0.0025%); highest among the groups gnomAD compares: Non-Finnish European, 0.0034%; no homozygotes.

Submissions (3):

GeneDx
Classification: Uncertain significance. Last evaluated: 2025-03-27. Review status: criteria provided, single submitter. Criteria: GeneDx Variant Classification Process June 2021. Collection method: clinical testing. Allele origin: germline. Affected: yes.
Comment: Not observed at significant frequency in large population cohorts (gnomAD); Missense variant in a gene in which most reported pathogenic variants are truncating/loss of function; Has not been previously published as pathogenic or benign to our knowledge

CeGaT Center for Human Genetics Tuebingen
Classification: Uncertain significance. Last evaluated: 2018-09-01. Review status: criteria provided, single submitter. Criteria: CeGaT Center For Human Genetics Tuebingen Variant Classification Criteria Version 2. Collection method: clinical testing. Allele origin: germline. Affected: yes. Observed: 1 variant allele.

Eurofins Ntd Llc (ga)
Classification: Uncertain significance. Last evaluated: 2016-09-01. Review status: criteria provided, single submitter. Criteria: EGL Classification Definitions 2015. Collection method: clinical testing. Allele origin: germline. Observed: 2 variant alleles, 2 heterozygotes.

NM_001267550.2(TTN):c.81407G>C (p.Gly27136Ala)

Genes: TTN (titin; minus strand), TTN-AS1 (TTN antisense RNA 1; plus strand). Cytogenetic location: 2q31.2.
Variant type: single nucleotide variant.
Coding change: c.81407G>C on transcript NM_001267550.2 (MANE Select); coding-DNA position 81407, G replaced by C.
Protein change: p.Gly27136Ala; replaces glycine 27136 with alanine.
Molecular consequence: missense variant.
Genome position (GRCh38, 1-based): chr2:178,564,725, C>G on the plus strand (G>C on the coding strand, the complement: TTN is on the minus strand). VCF-style: chr2-178564725-C-G. GRCh37 (hg19) VCF-style: chr2-179429452-C-G.
Other names: c.76484G>C, p.Gly25495Ala (NM_001256850.1); c.54212G>C, p.Gly18071Ala (NM_003319.4); c.73703G>C, p.Gly24568Ala (NM_133378.4); c.54587G>C, p.Gly18196Ala (NM_133432.3); c.54788G>C, p.Gly18263Ala (NM_133437.4); c.81407G>C (NM_001267550.1); short protein forms G24568A, G27136A, G18196A, G25495A, G18071A, G18263A.
Identifiers: ClinVar variation 290364 (VCV000290364.48), dbSNP rs879200560, ClinGen allele CA10606752.